The following is an entry in ClinVar:

NM_001142800.2(EYS):c.1943A>G (p.Lys648Arg)

Gene: EYS (EGF-like photoreceptor maintenance factor; minus strand). Cytogenetic location: 6q12.
Variant type: single nucleotide variant.
Coding change: c.1943A>G on transcript NM_001142800.2 (MANE Select); coding-DNA position 1943, A replaced by G.
Protein change: p.Lys648Arg; replaces lysine 648 with arginine.
Molecular consequence: missense variant.
Genome position (GRCh38, 1-based): chr6:65,295,943, T>C on the plus strand (A>G on the coding strand, the complement: EYS is on the minus strand). VCF-style: chr6-65295943-T-C. GRCh37 (hg19) VCF-style: chr6-66005836-T-C.
Other names: c.1943A>G, p.Lys648Arg (NM_001292009.2); short protein forms K648R.
Identifiers: ClinVar variation 2900847 (VCV002900847.3), dbSNP rs1040117862, ClinGen allele CA139803962.

ClinVar aggregate classification (germline): Uncertain significance. Review status: criteria provided, multiple submitters, no conflicts (2 of 4 stars). 2 submissions from 2 submitters: Uncertain significance (2). Last evaluated 2024-01-31.

Allele frequency attached by ClinVar (database versions not stated): gnomAD exomes below 0.00001; gnomAD 0.00001; TOPMed 0.00002.
gnomAD v4.1: 3 of 1,551,100 alleles (0.00019%); highest among the groups gnomAD compares: African/African-American, 0.0041%; no homozygotes.

Submissions (2):

Labcorp Genetics (formerly Invitae), Labcorp
Classification: Uncertain significance. Last evaluated: 2024-01-31. Review status: criteria provided, single submitter. Criteria: Invitae Variant Classification Sherloc (09022015). Collection method: clinical testing. Allele origin: germline.
Comment: This sequence change replaces lysine, which is basic and polar, with arginine, which is basic and polar, at codon 648 of the EYS protein (p.Lys648Arg). This variant is present in population databases (no rsID available, gnomAD 0.01%). This variant has not been reported in the literature in individuals affected with EYS-related conditions. Algorithms developed to predict the effect of missense changes on protein structure and function output the following: SIFT: "Not Available"; PolyPhen-2: "Benign"; Align-GVGD: "Not Available". The arginine amino acid residue is found in multiple mammalian species, which suggests that this missense change does not adversely affect protein function. In summary, the available evidence is currently insufficient to determine the role of this variant in disease. Therefore, it has been classified as a Variant of Uncertain Significance.

Blueprint Genetics
Classification: Uncertain significance. Last evaluated: 2021-09-23. Review status: criteria provided, single submitter. Criteria: ACMG Guidelines, 2015. Collection method: clinical testing. Allele origin: germline.